The following is an entry in ClinVar:

ClinVar aggregate classification (germline): Uncertain significance (1 of 4 stars; one submission).

Conditions:
Autosomal dominant hypocalcemia 1 (HYPOC1). Also called: HYPOCALCEMIA, FAMILIAL. Identifiers: MedGen C3715128, MONDO:0011013, OMIM 601198.
Familial hypocalciuric hypercalcemia (FHH). Also called: Familial benign hypercalcemia. Identifiers: Orphanet 405, MedGen C1809471, MONDO:0018458.

Submission:

Labcorp Genetics (formerly Invitae), Labcorp
Classification: Uncertain significance for Familial hypocalciuric hypercalcemia; Autosomal dominant hypocalcemia 1. Last evaluated: 2025-11-10. Review status: criteria provided, single submitter. Criteria: Invitae Variant Classification Sherloc (09022015). Collection method: clinical testing. Allele origin: germline.
Comment: This sequence change affects codon 62 of the CASR mRNA. It is a 'silent' change, meaning that it does not change the encoded amino acid sequence of the CASR protein. It affects a nucleotide within the consensus splice site. This variant is not present in population databases (gnomAD no frequency). This variant has not been reported in the literature in individuals affected with CASR-related conditions. ClinVar contains an entry for this variant (Variation ID: 2088418). Algorithms developed to predict the effect of sequence changes on RNA splicing suggest that this variant is not likely to affect RNA splicing. In summary, the available evidence is currently insufficient to determine the role of this variant in disease. Therefore, it has been classified as a Variant of Uncertain Significance.

NM_000388.4(CASR):c.184A>C (p.Arg62=)

Gene: CASR (calcium sensing receptor; plus strand). Cytogenetic location: 3q21.1.
Variant type: single nucleotide variant.
Coding change: c.184A>C on transcript NM_000388.4 (MANE Select); coding-DNA position 184, A replaced by C.
Protein change: p.Arg62=; no amino-acid change (arginine 62 retained).
Molecular consequence: synonymous variant.
Genome position (GRCh38, 1-based): chr3:122,254,373, A>C. VCF-style: chr3-122254373-A-C. GRCh37 (hg19) VCF-style: chr3-121973220-A-C.
Other names: c.184A>C, p.Arg62= (NM_001178065.2).
Identifiers: ClinVar variation 2088418 (VCV002088418.4), dbSNP rs2473205908, ClinGen allele CA435403908.
Genomic context (GRCh38, chr3:122,254,373, plus strand): 5'-TTTGGAGTAGCAGCTAAAGATCAAGATCTCAAATCAAGGCCGGAGTCTGTGGAATGTATC[A>C]GGTAAGAAGAGGGGCCTAATCTGCCAATCTCTTCTCTTCTGAGTGGTTGGAGAAAAGCTG-3'
Protein context (NP_000379.3, residues 52-72): KSRPESVECI[Arg62=]YNFRGFRWLQ